The following is an entry in ClinVar:

ClinVar aggregate classification (germline): Conflicting classifications of pathogenicity. Review status: criteria provided, conflicting classifications (1 of 4 stars). 15 submissions from 11 submitters: Uncertain significance (6); Benign (1); Likely benign (8). Last evaluated 2026-03-11.

Conditions:
TTN-related disorder. Also called: TTN-related condition; TTN-related disease; TTN-related disorders.
Cardiovascular phenotype. Identifiers: MedGen CN230736.
Dilated cardiomyopathy 1G (CMD1G). Identifiers: Orphanet 154, MedGen C1858763, MONDO:0011400, OMIM 604145.
Autosomal recessive limb-girdle muscular dystrophy type 2J (LGMDR10). Also called: Limb-girdle muscular dystrophy, type 2J; MUSCULAR DYSTROPHY, LIMB-GIRDLE, AUTOSOMAL RECESSIVE 10. Identifiers: Orphanet 140922, MedGen C1837342, MONDO:0012127, OMIM 608807.
Early-onset myopathy with fatal cardiomyopathy (CMYO5). Also called: Salih Myopathy; CONGENITAL MYOPATHY 5 WITH CARDIOMYOPATHY. Identifiers: Orphanet 289377, MedGen C2673677, MONDO:0012714, OMIM 611705. Disease mechanism: loss of function.
Myopathy, myofibrillar, 9, with early respiratory failure (MFM9). Also called: Hereditary myopathy with early respiratory failure; Myopathy, distal, with early respiratory failure, autosomal dominant; EDSTROM MYOPATHY; MYOPATHY, PROXIMAL, WITH EARLY RESPIRATORY MUSCLE INVOLVEMENT. Identifiers: Orphanet 178464, Orphanet 34521, MedGen C1863599, MONDO:0011362, OMIM 603689.
Tibial muscular dystrophy (TMD). Also called: Udd Distal Myopathy – Tibial Muscular Dystrophy; Tibial muscular dystrophy, tardive; UDD MYOPATHY. Identifiers: Orphanet 609, MedGen C1838244, MONDO:0010870, OMIM 600334.

Allele frequency attached by ClinVar (database versions not stated): gnomAD 0.00007; ESP Exome Variant Server 0.00008; gnomAD exomes 0.00009 and 0.00020; ExAC 0.00014; TOPMed 0.00014.
gnomAD v4.1: 150 of 1,613,212 alleles (0.0093%); highest among the groups gnomAD compares: Admixed American, 0.023%; no homozygotes.

Submissions (15):

PreventionGenetics, part of Exact Sciences
Classification: Likely benign for TTN-related condition. Last evaluated: 2026-03-11. Review status: criteria provided, single submitter. Criteria: ACMG Guidelines, 2015. Collection method: clinical testing. Allele origin: germline.
Comment: This variant is classified as likely benign based on ACMG/AMP sequence variant interpretation guidelines (Richards et al. 2015 PMID: 25741868, with internal and published modifications).

Labcorp Genetics (formerly Invitae), Labcorp
Classification: Likely benign for Dilated cardiomyopathy 1G; Autosomal recessive limb-girdle muscular dystrophy type 2J. Last evaluated: 2026-01-13. Review status: criteria provided, single submitter. Criteria: Invitae Variant Classification Sherloc (09022015). Collection method: clinical testing. Allele origin: germline.

ARUP Laboratories, Molecular Genetics and Genomics, ARUP Laboratories
Classification: Likely benign. Last evaluated: 2025-03-10. Review status: criteria provided, single submitter. Criteria: ARUP Molecular Germline Variant Investigation Process 2024. Collection method: clinical testing. Allele origin: germline.

Blueprint Genetics
Classification: Likely benign. Last evaluated: 2024-01-22. Review status: criteria provided, single submitter. Criteria: ACMG Guidelines, 2015. Collection method: clinical testing. Allele origin: germline.

CeGaT Center for Human Genetics Tuebingen
Classification: Likely benign. Last evaluated: 2024-01-01. Review status: criteria provided, single submitter. Criteria: CeGaT Center For Human Genetics Tuebingen Variant Classification Criteria Version 2. Collection method: clinical testing. Allele origin: germline. Affected: yes. Observed: 6 variant alleles.
Comment: TTN: BP4, BP7

GeneDx
Classification: Likely benign. Last evaluated: 2020-09-30. Review status: criteria provided, single submitter. Criteria: GeneDx Variant Classification Process June 2021. Collection method: clinical testing. Allele origin: germline. Affected: yes.

Athena Diagnostics
Classification: Benign. Last evaluated: 2018-02-06. Review status: criteria provided, single submitter. Criteria: Athena Diagnostics Criteria. Collection method: clinical testing. Allele origin: germline.

Illumina Laboratory Services, Illumina
Classification: Uncertain significance for Early-onset myopathy with fatal cardiomyopathy. Last evaluated: 2017-04-27. Review status: criteria provided, single submitter. Criteria: ICSL Variant Classification Criteria 13 December 2019. Collection method: clinical testing. Allele origin: germline.

Illumina Laboratory Services, Illumina
Classification: Uncertain significance for Autosomal recessive limb-girdle muscular dystrophy type 2J. Last evaluated: 2017-04-27. Review status: criteria provided, single submitter. Criteria: ICSL Variant Classification Criteria 13 December 2019. Collection method: clinical testing. Allele origin: germline.

Illumina Laboratory Services, Illumina
Classification: Uncertain significance for Myopathy, myofibrillar, 9, with early respiratory failure. Last evaluated: 2017-04-27. Review status: criteria provided, single submitter. Criteria: ICSL Variant Classification Criteria 13 December 2019. Collection method: clinical testing. Allele origin: germline.

Illumina Laboratory Services, Illumina
Classification: Uncertain significance for Dilated cardiomyopathy 1G. Last evaluated: 2017-04-27. Review status: criteria provided, single submitter. Criteria: ICSL Variant Classification Criteria 13 December 2019. Collection method: clinical testing. Allele origin: germline.

Illumina Laboratory Services, Illumina
Classification: Uncertain significance for Tibial muscular dystrophy. Last evaluated: 2017-04-27. Review status: criteria provided, single submitter. Criteria: ICSL Variant Classification Criteria 13 December 2019. Collection method: clinical testing. Allele origin: germline.

Ambry Genetics
Classification: Likely benign for Cardiovascular phenotype. Last evaluated: 2016-10-19. Review status: criteria provided, single submitter. Criteria: Ambry Variant Classification Scheme 2023. Collection method: clinical testing. Allele origin: germline.

Eurofins Ntd Llc (ga)
Classification: Uncertain significance. Last evaluated: 2016-03-03. Review status: criteria provided, single submitter. Criteria: EGL Classification Definitions 2015. Collection method: clinical testing. Allele origin: germline. Observed: 1 variant allele, 1 heterozygote.

Laboratory for Molecular Medicine, Mass General Brigham Personalized Medicine
Classification: Likely benign. Last evaluated: 2012-03-22. Review status: criteria provided, single submitter. Criteria: LMM Criteria. Collection method: clinical testing. Allele origin: germline. Observed: 1 variant allele.
Comment: Asp23123Asp in exon 275 of TTN: This variant is not expected to have clinical si gnificance because it does not alter an amino acid residue and is not located wi thin the splice consensus sequence. This variant has been identified in 0.01% (1 /6732) of European American chromosomes from a broad population by the NHLBI Exo me Sequencing Project Asp23123Asp in exo n 275 of TTN (allele frequency = 0.01%, 1/6732) **

NM_001267550.2(TTN):c.77073T>C (p.Asp25691=)

Genes: TTN-AS1 (TTN antisense RNA 1; plus strand), TTN (titin; minus strand). Cytogenetic location: 2q31.2.
Variant type: single nucleotide variant.
Coding change: c.77073T>C on transcript NM_001267550.2 (MANE Select); coding-DNA position 77073, T replaced by C.
Protein change: p.Asp25691=; no amino-acid change (aspartic acid 25691 retained).
Molecular consequence: synonymous variant.
Genome position (GRCh38, 1-based): chr2:178,569,059, A>G on the plus strand (T>C on the coding strand, the complement: TTN is on the minus strand). VCF-style: chr2-178569059-A-G. GRCh37 (hg19) VCF-style: chr2-179433786-A-G.
Other names: c.72150T>C, p.Asp24050= (NM_001256850.1); c.49878T>C, p.Asp16626= (NM_003319.4); c.69369T>C, p.Asp23123= (NM_133378.4); c.50253T>C, p.Asp16751= (NM_133432.3); c.50454T>C, p.Asp16818= (NM_133437.4).
Identifiers: ClinVar variation 47353 (VCV000047353.58), dbSNP rs375398118, ClinGen allele CA140764.
Genomic context (GRCh38, chr2:178,569,059, plus strand): 5'-GGTGACATCATCCACAGTTATTTTTCCAGGAGGTTGTGGCACTTCTGCAACCTTAATTGG[A>G]TCAGCAGTCTGGGCAGGAAGGCCAATACCATACTCATTCTCAGCTGTGACTCTAAAGTAA-3'
Protein context (NP_001254479.2, residues 25681-25701): YGIGLPAQTA[Asp25691=]PIKVAEVPQP